The following is an entry in ClinVar:

ClinVar aggregate classification (germline): Pathogenic/Likely pathogenic. Review status: criteria provided, multiple submitters, no conflicts (2 of 4 stars). 5 submissions from 5 submitters: Pathogenic (3); Likely pathogenic (2). Last evaluated 2026-03-23.

Conditions:
Congenital myasthenic syndrome 4C (CMS4C). Also called: Myasthenic syndrome, congenital, associated with acetylcholine receptor deficiency. Identifiers: Orphanet 590, MedGen C1837091, MONDO:0012157, OMIM 608931.
Congenital myasthenic syndrome 4A. Also called: CONGENITAL MYASTHENIC SYNDROME TYPE Ia1; Myasthenic syndrome, congenital, 4a, slow-channel; MYASTHENIC SYNDROME, CONGENITAL, 4A, SLOW-CHANNEL, AUTOSOMAL RECESSIVE. Identifiers: Orphanet 590, MedGen C4225413, MONDO:0011600, OMIM 605809.
Congenital myasthenic syndrome 4B. Also called: Myasthenic syndrome, congenital, 4b, fast-channel. Identifiers: Orphanet 590, MedGen C4225369, MONDO:0014586, OMIM 616324.
Congenital myasthenic syndrome (CMS). Also called: Congenital Myasthenic Syndromes. Identifiers: Orphanet 590, MedGen C0751882, MeSH D020294, MONDO:0018940.

Submissions (5):

Myriad Genetics, Inc.
Classification: Pathogenic for Congenital myasthenic syndrome. Last evaluated: 2026-03-23. Review status: criteria provided, single submitter. Criteria: Myriad Autosomal Dominant, Autosomal Recessive and X-Linked Classification Criteria (2023). Collection method: clinical testing. Allele origin: unknown.
Comment: NM_000080.3(CHRNE):c.1203delG(Q402Rfs*26) is a frameshift variant classified as pathogenic in the context of congenital myasthenic syndrome, CHRNE-related. Q402Rfs*26 has been observed in a case with relevant disease (PMID: 33756069). Relevant functional assessments of this variant are not available in the literature. Q402Rfs*26 has not been observed in referenced population frequency databases. In summary, NM_000080.3(CHRNE):c.1203delG(Q402Rfs*26) is a frameshift variant in a gene where loss of function is a known mechanism of disease, is predicted to disrupt protein function, and has been observed more frequently in cases with the relevant disease than in healthy populations. Please note: this variant was assessed in the context of healthy population screening.

Natera, Inc.
Classification: Likely pathogenic for Congenital myasthenic syndrome. Last evaluated: 2024-04-16. Review status: criteria provided, single submitter. Criteria: Natera Variant Classification Schema (03/2026). Collection method: clinical testing. Allele origin: germline.
Comment: The c.1203delG variant in CHRNE is a frameshift variant predicted to shift the reading frame beginning at codon 402 and leads to a stop codon 26 codons downstream. This variant is expected to result in nonsense mediated decay, truncation, or a dysfunctional protein product. This variant is rare in the general population with a frequency below the threshold expected for the associated phenotype(s). This variant has been observed in one or more individuals affected with the associated recessive disease, as either homozygous or compound heterozygous with a second variant (PMID: 33756069). Given the available evidence, this variant is classified as Likely Pathogenic.

Baylor Genetics
Classification: Likely pathogenic for Congenital myasthenic syndrome 4A. Last evaluated: 2023-06-11. Review status: criteria provided, single submitter. Criteria: ACMG Guidelines, 2015. Collection method: clinical testing. Allele origin: unknown.

Labcorp Genetics (formerly Invitae), Labcorp
Classification: Pathogenic for Congenital myasthenic syndrome 4A. Last evaluated: 2023-05-27. Review status: criteria provided, single submitter. Criteria: Invitae Variant Classification Sherloc (09022015). Collection method: clinical testing. Allele origin: germline.
Comment: This sequence change creates a premature translational stop signal (p.Gln402Argfs*26) in the CHRNE gene. While this is not anticipated to result in nonsense mediated decay, it is expected to disrupt the last 92 amino acid(s) of the CHRNE protein. This variant is not present in population databases (gnomAD no frequency). This premature translational stop signal has been observed in individual(s) with autosomal recessive congenital myasthenic syndrome (PMID: 33756069). ClinVar contains an entry for this variant (Variation ID: 969335). This variant disrupts a region of the CHRNE protein in which other variant(s) (p.Tyr478*) have been determined to be pathogenic (PMID: 12417530). This suggests that this is a clinically significant region of the protein, and that variants that disrupt it are likely to be disease-causing. For these reasons, this variant has been classified as Pathogenic.

Juno Genomics, Hangzhou Juno Genomics, Inc
Classification: Pathogenic for Congenital myasthenic syndrome 4A; Congenital myasthenic syndrome 4B; Congenital myasthenic syndrome 4C. Review status: criteria provided, single submitter. Criteria: ACMG Guidelines, 2015. Collection method: clinical testing. Allele origin: germline.
Comment: Absent from controls (or at extremely low frequency if recessive) in Genome Aggregation Database.;Null variant in a gene where loss of function (LOF) is a known mechanism of disease.;For recessive disorders, detected in trans with a pathogenic variant.

Literature cited by the submitters: PubMed 33756069 (cited by 3 submitters); PubMed 12417530 (cited by Labcorp Genetics (formerly Invitae), Labcorp).

NM_000080.4(CHRNE):c.1203del (p.Gln402fs)

Genes: CHRNE (cholinergic receptor nicotinic epsilon subunit; minus strand), LOC130060040 (ATAC-STARR-seq lymphoblastoid silent region 8049; plus strand). Cytogenetic location: 17p13.2.
Variant type: Deletion.
Coding change: c.1203del on transcript NM_000080.4 (MANE Select); coding-DNA position 1203, one base deleted (G; older notation c.1203delG).
Protein change: p.Gln402fs; shifts the reading frame from glutamine 402.
Molecular consequence: frameshift variant.
Genome position (GRCh38, 1-based): chr17:4,899,214, C deleted on the plus strand (G on the coding strand, the reverse complement: CHRNE is on the minus strand); the first of 2 consecutive C bases (chr17:4,899,214-4,899,215); deleting either gives the same sequence. VCF-style (leftmost placement, unchanged base first): chr17-4899213-GC-G. GRCh37 (hg19) VCF-style: chr17-4802508-GC-G.
Other names: c.1203delG (NM_000080.3); short protein forms Q402fs.
Identifiers: ClinVar variation 969335 (VCV000969335.12), dbSNP rs1429181185, ClinGen allele CA772623517.